The following is an entry in ClinVar:

ClinVar aggregate classification (germline): Pathogenic (1 of 4 stars; one submission).

Submission:

Labcorp Genetics (formerly Invitae), Labcorp
Classification: Pathogenic. Last evaluated: 2023-11-30. Review status: criteria provided, single submitter. Criteria: Invitae Variant Classification Sherloc (09022015). Collection method: clinical testing. Allele origin: germline.
Comment: This sequence change creates a premature translational stop signal (p.Arg4Glufs*20) in the POLE gene. It is expected to result in an absent or disrupted protein product. Loss-of-function variants in POLE are known to be pathogenic (PMID: 23230001, 25948378, 30503519). This variant is not present in population databases (gnomAD no frequency). This variant has not been reported in the literature in individuals affected with POLE-related conditions. For these reasons, this variant has been classified as Pathogenic.

Literature cited by the submitters: PubMed 23230001; PubMed 25948378; PubMed 30503519.

NM_006231.4(POLE):c.8dup (p.Arg4fs)

Genes: POLE (DNA polymerase epsilon, catalytic subunit; minus strand), LOC130009266 (ATAC-STARR-seq lymphoblastoid silent region 5123; plus strand). Cytogenetic location: 12q24.33.
Variant type: Duplication.
Coding change: c.8dup on transcript NM_006231.4 (MANE Select); coding-DNA position 8, one base duplicated (T; older notation c.8dupT).
Protein change: p.Arg4fs; shifts the reading frame from arginine 4.
Molecular consequence: frameshift variant.
Genome position (GRCh38, 1-based): chr12:132,687,308, A duplicated on the plus strand (T on the coding strand, the reverse complement: POLE is on the minus strand). VCF-style (leftmost placement, unchanged base first): chr12-132687307-C-CA. GRCh37 (hg19) VCF-style: chr12-133263893-C-CA.
Other names: short protein forms R4fs.
Identifiers: ClinVar variation 2699836 (VCV002699836.3), dbSNP rs2542222448, ClinGen allele CA2697551656.